The following is an entry in ClinVar:

ClinVar aggregate classification (germline): Pathogenic/Likely pathogenic. Review status: criteria provided, multiple submitters, no conflicts (2 of 4 stars). 13 submissions from 12 submitters: Pathogenic (9); Likely pathogenic (3). 1 of the submissions does not count toward it. Last evaluated 2025-02-25.

Conditions:
Rare genetic deafness. Identifiers: Orphanet 96210, MedGen C5680250.
USH2A-related disorder. Also called: USH2A-related disorders; USH2A-related condition. Identifiers: MedGen CN239332.
Retinal dystrophy. Also called: Inherited retinal dystrophy. Identifiers: Orphanet 71862, MedGen C0854723, MeSH D058499, MONDO:0019118, HP:0000556.
Retinitis pigmentosa 39 (RP39). Identifiers: Orphanet 791, MedGen C3151138, MONDO:0013436, OMIM 613809.
Usher syndrome type 2A. Also called: RETINAL DISEASE IN USHER SYNDROME TYPE IIA, MODIFIER OF; USHER SYNDROME, TYPE IIA. Identifiers: Orphanet 231178, Orphanet 886, MedGen C1848634, MONDO:0010169, OMIM 276901.

Allele frequency attached by ClinVar (database versions not stated): ExAC 0.00001; gnomAD exomes 0.00001 and 0.00002; gnomAD 0.00003.
gnomAD v4.1: 15 of 1,614,020 alleles (0.00093%); highest among the groups gnomAD compares: Admixed American, 0.0017%; no homozygotes.

Submissions (13):

Labcorp Genetics (formerly Invitae), Labcorp
Classification: Pathogenic. Last evaluated: 2025-02-25. Review status: criteria provided, single submitter. Criteria: Invitae Variant Classification Sherloc (09022015). Collection method: clinical testing. Allele origin: germline.
Comment: This sequence change creates a premature translational stop signal (p.Arg2914*) in the USH2A gene. It is expected to result in an absent or disrupted protein product. Loss-of-function variants in USH2A are known to be pathogenic (PMID: 10729113, 10909849, 20507924, 25649381). This variant is present in population databases (rs766590491, gnomAD 0.003%). This premature translational stop signal has been observed in individuals with USH2A-related conditions (PMID: 24944099, 25472526). ClinVar contains an entry for this variant (Variation ID: 228417). For these reasons, this variant has been classified as Pathogenic.

Natera, Inc.
Classification: Pathogenic for Usher syndrome type 2A. Last evaluated: 2024-08-09. Review status: criteria provided, single submitter. Criteria: Natera Variant Classification Schema (03/2026). Collection method: clinical testing. Allele origin: germline.
Comment: The c.8740C>T variant in USH2A is a nonsense variant predicted to introduce a stop codon at amino acid 2914. This variant is expected to result in nonsense mediated decay, truncation, or a dysfunctional protein product. This variant is rare in the general population with a frequency below the threshold expected for the associated phenotype(s). This variant has been observed in one or more individuals affected with the associated recessive disease, as either homozygous or compound heterozygous with a second variant (PMID: 24944099, 36011334, 34638692). Given the available evidence, this variant is classified as Pathogenic.

Fulgent Genetics
Classification: Pathogenic for Usher syndrome type 2A; Retinitis pigmentosa 39. Last evaluated: 2024-05-06. Review status: criteria provided, single submitter. Criteria: ACMG Guidelines, 2015. Collection method: clinical testing. Allele origin: germline.

Baylor Genetics
Classification: Pathogenic for Retinitis pigmentosa 39. Last evaluated: 2024-03-18. Review status: criteria provided, single submitter. Criteria: ACMG Guidelines, 2015. Collection method: clinical testing. Allele origin: unknown.

Blueprint Genetics
Classification: Pathogenic for USH2A-related disorders. Last evaluated: 2023-12-13. Review status: criteria provided, single submitter. Criteria: ACMG Guidelines, 2015. Collection method: clinical testing. Allele origin: germline. Affected: yes. Observed: 5 variant alleles.

Genome-Nilou Lab
Classification: Likely pathogenic for Retinitis pigmentosa 39. Last evaluated: 2023-11-04. Review status: criteria provided, single submitter. Criteria: ACMG Guidelines, 2015. Collection method: clinical testing. Allele origin: germline. Affected: no.

Genome-Nilou Lab
Classification: Likely pathogenic for Usher syndrome type 2A. Last evaluated: 2023-11-04. Review status: criteria provided, single submitter. Criteria: ACMG Guidelines, 2015. Collection method: clinical testing. Allele origin: germline. Affected: no.

Ocular Genomics Institute, Massachusetts Eye and Ear
Classification: Likely pathogenic for Retinitis pigmentosa 39. Last evaluated: 2021-04-08. Review status: criteria provided, single submitter. Criteria: ACMG Guidelines, 2015. Collection method: research. Allele origin: germline. Affected: yes.
Comment: Through a review of available evidence we were able to apply the following criteria: PVS1, PM2. Based on this evidence we have classified this variant as Likely Pathogenic.

Institute of Medical Genetics and Applied Genomics, University Hospital Tübingen
Classification: Pathogenic. Last evaluated: 2020-10-23. Review status: criteria provided, single submitter. Criteria: ACMG Guidelines, 2015. Collection method: clinical testing. Allele origin: germline. Inheritance: Unknown mechanism. Affected: yes.

CeGaT Center for Human Genetics Tuebingen
Classification: Pathogenic. Last evaluated: 2017-11-01. Review status: criteria provided, single submitter. Criteria: CeGaT Center For Human Genetics Tuebingen Variant Classification Criteria Version 2. Collection method: clinical testing. Allele origin: germline. Affected: yes. Observed: 1 variant allele.

Laboratory for Molecular Medicine, Mass General Brigham Personalized Medicine
Classification: Pathogenic for Rare genetic deafness. Last evaluated: 2015-04-24. Review status: criteria provided, single submitter. Criteria: LMM Criteria. Collection method: clinical testing. Allele origin: germline. Inheritance: Autosomal recessive inheritance. Observed: 2 variant alleles.
Comment: The p.Arg2914X variant in USH2A has been previously reported in 4 individuals wi th Usher syndrome (Baux 2014, McGee 2010) and 1 individual with retinitis pigmen tosa (RP) (Zhao 2015), however hearing loss was not evaluated in the latter. At least 4 of these individuals were compound heterozygous for a second pathogenic variant in USH2A. This variant has been identified in 1/66678 European chromoso mes by the Exome Aggregation Consortium (ExAC), though this frequency is low enough to be consistent with a recessive carrier fr equency. This nonsense variant leads to a premature termination codon at positio n 2914, which is predicted to lead to a truncated or absent protein. Loss of fun ction of the USH2A gene is an established disease mechanism in Usher syndrome. I n summary, the p.Arg2914X variant in USH2A meets our criteria to be classified a s pathogenic for autosomal recessive Usher syndrome based upon the predicted imp act to the protein and the previously reported individuals with Usher syndrome.

Institute of Human Genetics, Univ. Regensburg, Univ. Regensburg
Classification: Pathogenic for Retinal dystrophy. Last evaluated: 2011-01-01. Review status: criteria provided, single submitter. Criteria: ACMG Guidelines, 2015. Collection method: clinical testing. Allele origin: germline. Affected: yes.

Counsyl
Classification: Pathogenic for Retinitis pigmentosa 39. Last evaluated: 2017-04-14. Review status: no assertion criteria provided. Collection method: clinical testing. Allele origin: unknown. Not counted in ClinVar's aggregate classification.

Literature cited by the submitters: PubMed 10729113 (cited by Labcorp Genetics (formerly Invitae), Labcorp); PubMed 10909849 (cited by Labcorp Genetics (formerly Invitae), Labcorp); PubMed 20507924 (cited by 4 submitters); PubMed 25649381 (cited by Labcorp Genetics (formerly Invitae), Labcorp); PubMed 24944099 (cited by 5 submitters); PubMed 25472526 (cited by 4 submitters); PubMed 36011334 (cited by Natera, Inc. and Institute of Human Genetics, Univ. Regensburg, Univ. Regensburg); PubMed 34638692 (cited by Natera, Inc.); PubMed 25525159 (cited by Institute of Human Genetics, Univ. Regensburg, Univ. Regensburg); PubMed 31964843 (cited by Institute of Human Genetics, Univ. Regensburg, Univ. Regensburg); PubMed 32531858 (cited by Institute of Human Genetics, Univ. Regensburg, Univ. Regensburg); PubMed 36785559 (cited by Institute of Human Genetics, Univ. Regensburg, Univ. Regensburg).

NM_206933.4(USH2A):c.8740C>T (p.Arg2914Ter)

Gene: USH2A (usherin; minus strand). Cytogenetic location: 1q41.
Variant type: single nucleotide variant.
Coding change: c.8740C>T on transcript NM_206933.4 (MANE Select); coding-DNA position 8740, C replaced by T.
Protein change: p.Arg2914Ter; replaces arginine 2914 with a stop codon.
Molecular consequence: nonsense.
Genome position (GRCh38, 1-based): chr1:215,867,112, G>A on the plus strand (C>T on the coding strand, the complement: USH2A is on the minus strand). VCF-style: chr1-215867112-G-A. GRCh37 (hg19) VCF-style: chr1-216040454-G-A.
Other names: short protein forms R2914*.
Identifiers: ClinVar variation 228417 (VCV000228417.64), dbSNP rs766590491, ClinGen allele CA1394520.